The following is an entry in ClinVar:

ClinVar aggregate classification (germline): Conflicting classifications of pathogenicity. Review status: criteria provided, conflicting classifications (1 of 4 stars). 11 submissions from 11 submitters: Uncertain significance (10); Likely benign (1). Last evaluated 2026-01-22.

Conditions:
FLNC-related disorder. Also called: FLNC-related condition; FLNC-related disorders.
Cardiovascular phenotype. Identifiers: MedGen CN230736.
Hypertrophic cardiomyopathy 26. Also called: Cardiomyopathy, familial hypertrophic, 26. Identifiers: Orphanet 75249, MedGen C4310749, MONDO:0014883, OMIM 617047.
Myofibrillar myopathy 5. Also called: Filaminopathy (type); FILAMINOPATHY, AUTOSOMAL DOMINANT. Identifiers: Orphanet 171445, MedGen C1836050, MONDO:0012289, OMIM 609524.
Distal myopathy with posterior leg and anterior hand involvement. Also called: WILLIAMS DISTAL MYOPATHY. Identifiers: Orphanet 63273, MedGen C3279722, MONDO:0013550, OMIM 614065.

Allele frequency attached by ClinVar (database versions not stated): TOPMed 0.00004; ExAC 0.00006; gnomAD 0.00010.
gnomAD v4.1: 58 of 1,613,970 alleles (0.0036%); highest among the groups gnomAD compares: African/African-American, 0.02%; no homozygotes.

Submissions (11):

Labcorp Genetics (formerly Invitae), Labcorp
Classification: Likely benign for Distal myopathy with posterior leg and anterior hand involvement; Myofibrillar myopathy 5; Hypertrophic cardiomyopathy 26. Last evaluated: 2026-01-22. Review status: criteria provided, single submitter. Criteria: Invitae Variant Classification Sherloc (09022015). Collection method: clinical testing. Allele origin: germline.

Ambry Genetics
Classification: Uncertain significance for Cardiovascular phenotype. Last evaluated: 2025-09-08. Review status: criteria provided, single submitter. Criteria: Ambry Variant Classification Scheme 2023. Collection method: clinical testing. Allele origin: germline.
Comment: The p.V368M variant (also known as c.1102G>A), located in coding exon 7 of the FLNC gene, results from a G to A substitution at nucleotide position 1102. The valine at codon 368 is replaced by methionine, an amino acid with highly similar properties. This variant was reported in individual(s) with features consistent with hypertrophic cardiomyopathy (HCM) (Baban A et al. J Cardiovasc Dev Dis, 2022 Sep;9:[ePub ahead of print]; Oktay V et al. Anatol J Cardiol, 2023 Nov;27:628-638; Ambry internal data). This amino acid position is highly conserved in available vertebrate species. In addition, the in silico prediction for this alteration is inconclusive. Based on the available evidence, the clinical significance of this variant remains unclear.

PreventionGenetics, part of Exact Sciences
Classification: Uncertain significance for FLNC-related condition. Last evaluated: 2025-07-29. Review status: criteria provided, single submitter. Criteria: ACMG Guidelines, 2015. Collection method: clinical testing. Allele origin: germline.
Comment: The FLNC c.1102G>A variant is predicted to result in the amino acid substitution p.Val368Met. This variant has been reported as uncertain in individuals with hypertrophic cardiomyopathy (Baban et al. 2022. PubMed ID: 36286284; Oktay et al. 2023. PubMed ID: 37466024). This variant is reported in 0.017% of alleles in individuals of Latino descent in gnomAD and has conflicting interpretations regarding its pathogenicity in ClinVar, ranging from likely benign (1) to uncertain (8) (Variation ID: 471960). Although we suspect that this variant may be benign, at this time, the clinical significance of this variant is uncertain due to the absence of conclusive functional and genetic evidence.

Molecular Diagnostic Laboratory for Inherited Cardiovascular Disease, Montreal Heart Institute
Classification: Uncertain significance for Cardiovascular phenotype. Last evaluated: 2025-04-09. Review status: criteria provided, single submitter. Criteria: ACMG Guidelines, 2015. Collection method: clinical testing. Allele origin: germline. Affected: yes.
Comment: PP3, BS1

Genomic Medicine Center of Excellence, King Faisal Specialist Hospital and Research Centre
Classification: Uncertain significance for Hypertrophic cardiomyopathy 26. Last evaluated: 2024-12-19. Review status: criteria provided, single submitter. Criteria: ACMG Guidelines, 2015. Collection method: clinical testing. Allele origin: germline.

Blueprint Genetics
Classification: Uncertain significance. Last evaluated: 2024-05-16. Review status: criteria provided, single submitter. Criteria: ACMG Guidelines, 2015. Collection method: clinical testing. Allele origin: germline.

ARUP Laboratories, Molecular Genetics and Genomics, ARUP Laboratories
Classification: Uncertain significance. Last evaluated: 2024-03-20. Review status: criteria provided, single submitter. Criteria: ARUP Molecular Germline Variant Investigation Process 2024. Collection method: clinical testing. Allele origin: germline.
Comment: The FLNC c.1102G>A; p.Val368Met variant (rs781718076, ClinVar ID: 471960) is reported in the literature in one proband and father affected with hypertrophic cardiomyopathy (Baban 2022). This variant is found in the general population with an overall allele frequency of 0.005% (13/280,932 alleles) in the Genome Aggregation Database (v2.1.1). Computational analyses predict that this variant is deleterious (REVEL: 0.801). Due to limited information, the clinical significance of this variant is uncertain at this time. References: Baban A et al. Cardiovascular Involvement in Pediatric FLNC Variants: A Case Series of Fourteen Patients. J Cardiovasc Dev Dis. 2022 Sep 30;9(10):332. PMID: 36286284.

Mayo Clinic Laboratories, Mayo Clinic
Classification: Uncertain significance. Last evaluated: 2023-11-29. Review status: criteria provided, single submitter. Criteria: ACMG Guidelines, 2015. Collection method: clinical testing. Allele origin: germline. Observed: 1 variant allele.
Comment: PP2, PP3

GeneDx
Classification: Uncertain significance. Last evaluated: 2023-10-13. Review status: criteria provided, single submitter. Criteria: GeneDx Variant Classification Process June 2021. Collection method: clinical testing. Allele origin: germline. Affected: yes.
Comment: Identified in a proband and father with HCM in published literature; however, it is unclear whether these individuals harbored additional cardiogenetic variants (PMID: 36286284); In silico analysis supports that this missense variant has a deleterious effect on protein structure/function; This variant is associated with the following publications: (PMID: 36286284)

Revvity Omics, Revvity
Classification: Uncertain significance. Last evaluated: 2023-09-07. Review status: criteria provided, single submitter. Criteria: ACMG Guidelines, 2015. Collection method: clinical testing. Allele origin: germline.

CeGaT Center for Human Genetics Tuebingen
Classification: Uncertain significance. Last evaluated: 2019-02-01. Review status: criteria provided, single submitter. Criteria: CeGaT Center For Human Genetics Tuebingen Variant Classification Criteria Version 2. Collection method: clinical testing. Allele origin: germline. Affected: yes. Observed: 1 variant allele.

Literature cited by the submitters: PubMed 36286284 (cited by Ambry Genetics and Mayo Clinic Laboratories, Mayo Clinic); PubMed 37466024 (cited by Ambry Genetics and Mayo Clinic Laboratories, Mayo Clinic).

NM_001458.5(FLNC):c.1102G>A (p.Val368Met)

Gene: FLNC (filamin C; plus strand). Cytogenetic location: 7q32.1.
Variant type: single nucleotide variant.
Coding change: c.1102G>A on transcript NM_001458.5 (MANE Select); coding-DNA position 1102, G replaced by A.
Protein change: p.Val368Met; replaces valine 368 with methionine.
Molecular consequence: missense variant.
Genome position (GRCh38, 1-based): chr7:128,838,321, G>A. VCF-style: chr7-128838321-G-A. GRCh37 (hg19) VCF-style: chr7-128478375-G-A.
Other names: p.Val368Met; c.1102G>A, p.Val368Met (NM_001127487.2); short protein forms V368M.
Identifiers: ClinVar variation 471960 (VCV000471960.64), dbSNP rs781718076, ClinGen allele CA4474235.